The following is an entry in ClinVar:

NM_170606.3(KMT2C):c.3567C>A (p.Ser1189Arg)

Gene: KMT2C (lysine methyltransferase 2C; minus strand). Cytogenetic location: 7q36.1.
Variant type: single nucleotide variant.
Coding change: c.3567C>A on transcript NM_170606.3 (MANE Select); coding-DNA position 3567, C replaced by A.
Protein change: p.Ser1189Arg; replaces serine 1189 with arginine.
Molecular consequence: missense variant.
Genome position (GRCh38, 1-based): chr7:152,220,668, G>T on the plus strand (C>A on the coding strand, the complement: KMT2C is on the minus strand). VCF-style: chr7-152220668-G-T. GRCh37 (hg19) VCF-style: chr7-151917753-G-T.
Other names: short protein forms S1189R.
Identifiers: ClinVar variation 1922211 (VCV001922211.5), dbSNP rs995990760, ClinGen allele CA370109004.

ClinVar aggregate classification (germline): Uncertain significance (1 of 4 stars; one submission).

gnomAD v4.1: 13 of 1,611,450 alleles (0.00081%); highest among the groups gnomAD compares: Middle Eastern, 0.023%; no homozygotes.

Submission:

Labcorp Genetics (formerly Invitae), Labcorp
Classification: Uncertain significance. Last evaluated: 2025-09-08. Review status: criteria provided, single submitter. Criteria: Invitae Variant Classification Sherloc (09022015). Collection method: clinical testing. Allele origin: germline.
Comment: This sequence change replaces serine, which is neutral and polar, with arginine, which is basic and polar, at codon 1189 of the KMT2C protein (p.Ser1189Arg). This variant is not present in population databases (gnomAD no frequency). This variant has not been reported in the literature in individuals affected with KMT2C-related conditions. ClinVar contains an entry for this variant (Variation ID: 1922211). Invitae Evidence Modeling of protein sequence and biophysical properties (such as structural, functional, and spatial information, amino acid conservation, physicochemical variation, residue mobility, and thermodynamic stability) indicates that this missense variant is expected to disrupt KMT2C protein function with a positive predictive value of 80%. In summary, the available evidence is currently insufficient to determine the role of this variant in disease. Therefore, it has been classified as a Variant of Uncertain Significance.